The following is an entry in ClinVar:

ClinVar aggregate classification (germline): Uncertain significance (1 of 4 stars; one submission).

Conditions:
Isolated microphthalmia 4. Identifiers: Orphanet 2542, MedGen C2751307, MONDO:0013130, OMIM 613094.
Microphthalmia, isolated, with coloboma 6 (MCOPCB6). Also called: Microphthalmia with coloboma 6, digenic; Microphthalmia with coloboma 6; MICROPHTHALMIA/COLOBOMA 6. Identifiers: Orphanet 98938, MedGen C3150968, MONDO:0013376, OMIM 613703.
Leber congenital amaurosis 17 (LCA17). Identifiers: Orphanet 65, MedGen C3715164, MONDO:0014145, OMIM 615360.
Klippel-Feil syndrome 1, autosomal dominant (KFS1). Also called: CERVICAL VERTEBRAL FUSION, AUTOSOMAL DOMINANT. Identifiers: Orphanet 2345, MedGen C1861689, MONDO:0007306, OMIM 118100.

Allele frequency attached by ClinVar (database versions not stated): gnomAD exomes 0.00002 and 0.00006; ExAC 0.00004; gnomAD 0.00004; TOPMed 0.00005; ESP Exome Variant Server 0.00015.

Submission:

Labcorp Genetics (formerly Invitae), Labcorp
Classification: Uncertain significance for Isolated microphthalmia 4; Leber congenital amaurosis 17; Klippel-Feil syndrome 1, autosomal dominant; Microphthalmia, isolated, with coloboma 6. Last evaluated: 2025-12-16. Review status: criteria provided, single submitter. Criteria: Invitae Variant Classification Sherloc (09022015). Collection method: clinical testing. Allele origin: germline.
Comment: This sequence change replaces isoleucine, which is neutral and non-polar, with valine, which is neutral and non-polar, at codon 428 of the GDF6 protein (p.Ile428Val). This variant is present in population databases (rs144578143, gnomAD 0.006%). This variant has not been reported in the literature in individuals affected with GDF6-related conditions. ClinVar contains an entry for this variant (Variation ID: 1370632). Invitae Evidence Modeling of protein sequence and biophysical properties (such as structural, functional, and spatial information, amino acid conservation, physicochemical variation, residue mobility, and thermodynamic stability) indicates that this missense variant is expected to disrupt GDF6 protein function with a positive predictive value of 80%. In summary, the available evidence is currently insufficient to determine the role of this variant in disease. Therefore, it has been classified as a Variant of Uncertain Significance.

NM_001001557.4(GDF6):c.1282A>G (p.Ile428Val)

Gene: GDF6 (growth differentiation factor 6; minus strand). Cytogenetic location: 8q22.1.
Variant type: single nucleotide variant.
Coding change: c.1282A>G on transcript NM_001001557.4 (MANE Select); coding-DNA position 1282, A replaced by G.
Protein change: p.Ile428Val; replaces isoleucine 428 with valine.
Molecular consequence: missense variant.
Genome position (GRCh38, 1-based): chr8:96,144,649, T>C on the plus strand (A>G on the coding strand, the complement: GDF6 is on the minus strand). VCF-style: chr8-96144649-T-C. GRCh37 (hg19) VCF-style: chr8-97156877-T-C.
Other names: short protein forms I428V.
Identifiers: ClinVar variation 1370632 (VCV001370632.6), dbSNP rs144578143, ClinGen allele CA4815346.